The following is an entry in ClinVar:

ClinVar aggregate classification (germline): Uncertain significance (1 of 4 stars; one submission).

Conditions:
Familial intrahepatic cholestasis. Identifiers: Orphanet 284385, MedGen CN296401, MONDO:0017290.

gnomAD v4.1: 46 of 1,612,506 alleles (0.0029%); highest among the groups gnomAD compares: South Asian, 0.033%; 1 homozygote.

Submission:

Genomenon, Inc
Classification: Uncertain significance for Familial intrahepatic cholestasis. Last evaluated: 2026-04-14. Review status: criteria provided, single submitter. Criteria: Genomenon Sequence Variant Interpretation Standards - Updated. Collection method: curation. Allele origin: germline. Affected: no.
Comment: ABCB11 p.Ala311Thr (c.931G>A) is a missense variant that changes the amino acid at residue 311 from Alanine to Threonine. This variant has been reported in the published literature (PMID:37208429). It is absent or not present at a significant frequency in gnomAD. In silico models predict that this variant is possibly or probably damaging. In conclusion, we classify ABCB11 p.Ala311Thr (c.931G>A) as a variant of uncertain significance.

Literature cited by the submitters: PubMed 37208429.

NM_003742.4(ABCB11):c.931G>A (p.Ala311Thr)

Gene: ABCB11 (ATP binding cassette subfamily B member 11; minus strand). Cytogenetic location: 2q31.1.
Variant type: single nucleotide variant.
Coding change: c.931G>A on transcript NM_003742.4 (MANE Select); coding-DNA position 931, G replaced by A.
Protein change: p.Ala311Thr; replaces alanine 311 with threonine.
Molecular consequence: missense variant.
Genome position (GRCh38, 1-based): chr2:168,986,262, C>T on the plus strand (G>A on the coding strand, the complement: ABCB11 is on the minus strand). VCF-style: chr2-168986262-C-T. GRCh37 (hg19) VCF-style: chr2-169842772-C-T.
Other names: short protein forms A311T.
Identifiers: ClinVar variation 4845941 (VCV004845941.1).